The following is an entry in ClinVar:

ClinVar aggregate classification (germline): Benign (1 of 4 stars; one submission).

Allele frequency attached by ClinVar (database versions not stated): 1000 Genomes Project 0.99980; 1000 Genomes Project 30x 0.99984; TOPMed 0.99996; gnomAD 0.99997.
gnomAD v4.1: 152,203 of 152,208 alleles (100%); highest among the groups gnomAD compares: Middle Eastern, 100%; 76,099 homozygotes.

Submission:

GeneDx
Classification: Benign. Last evaluated: 2018-06-14. Review status: criteria provided, single submitter. Criteria: GeneDx Variant Classification (06012015). Collection method: clinical testing. Allele origin: germline. Affected: yes.
Comment: This variant is considered likely benign or benign based on one or more of the following criteria: it is a conservative change, it occurs at a poorly conserved position in the protein, it is predicted to be benign by multiple in silico algorithms, and/or has population frequency not consistent with disease.

NM_001849.4(COL6A2):c.1521+212A>G

Gene: COL6A2 (collagen type VI alpha 2 chain; plus strand). Cytogenetic location: 21q22.3.
Variant type: single nucleotide variant.
Coding change: c.1521+212A>G on transcript NM_001849.4 (MANE Select); 212 bases into the intron after coding-DNA position 1521, A replaced by G.
Molecular consequence: intron variant.
Genome position (GRCh38, 1-based): chr21:46,121,830, A>G. VCF-style: chr21-46121830-A-G. GRCh37 (hg19) VCF-style: chr21-47541744-A-G.
Other names: c.1521+212A>G (NM_058175.3, NM_058174.3).
Identifiers: ClinVar variation 679210 (VCV000679210.1), dbSNP rs915785, ClinGen allele CA321967711.
Genomic context (GRCh38, chr21:46,121,830, plus strand): 5'-GCCTCCGGGGTCCAGGAAGCCCCCCTGGCTCTCCTCTTCAGCAGTGACCCTTGGGTGTGC[A>G]TGGCACATCCTTCCTGAGGCAGGGCCTGAGGGCAGCTACGTGGCCTGAGTAGGGTCCTCC-3'